The following is an entry in ClinVar:

ClinVar aggregate classification (germline): Uncertain significance (1 of 4 stars; one submission).

Submission:

Labcorp Genetics (formerly Invitae), Labcorp
Classification: Uncertain significance. Last evaluated: 2023-07-25. Review status: criteria provided, single submitter. Criteria: Invitae Variant Classification Sherloc (09022015). Collection method: clinical testing. Allele origin: germline.
Comment: In summary, the available evidence is currently insufficient to determine the role of this variant in disease. Therefore, it has been classified as a Variant of Uncertain Significance. Advanced modeling of protein sequence and biophysical properties (such as structural, functional, and spatial information, amino acid conservation, physicochemical variation, residue mobility, and thermodynamic stability) performed at Invitae indicates that this missense variant is not expected to disrupt ALPK1 protein function. This variant has not been reported in the literature in individuals affected with ALPK1-related conditions. This variant is not present in population databases (gnomAD no frequency). This sequence change replaces threonine, which is neutral and polar, with proline, which is neutral and non-polar, at codon 906 of the ALPK1 protein (p.Thr906Pro).

NM_025144.4(ALPK1):c.2716A>C (p.Thr906Pro)

Gene: ALPK1 (alpha kinase 1; plus strand). Cytogenetic location: 4q25.
Variant type: single nucleotide variant.
Coding change: c.2716A>C on transcript NM_025144.4 (MANE Select); coding-DNA position 2716, A replaced by C.
Protein change: p.Thr906Pro; replaces threonine 906 with proline.
Molecular consequence: missense variant.
Genome position (GRCh38, 1-based): chr4:112,432,263, A>C. VCF-style: chr4-112432263-A-C. GRCh37 (hg19) VCF-style: chr4-113353419-A-C.
Other names: c.2716A>C, p.Thr906Pro (NM_001102406.2); c.2482A>C, p.Thr828Pro (NM_001253884.2); short protein forms T906P, T828P.
Identifiers: ClinVar variation 2802963 (VCV002802963.3), dbSNP rs1252278718, ClinGen allele CA357901633.
Genomic context (GRCh38, chr4:112,432,263, plus strand): 5'-GAGACCCCCAATTCCTCTGTAAGCGGTAACATCCTCTTCCCTGTCCTCAGCGAGGACTGC[A>C]CTACCACAGAGGAAGGAAATCAGCCTGGAAACATGCTAAACTGCAGCCAGAACTCCAGCT-3'
Protein context (NP_079420.3, residues 896-916): ILFPVLSEDC[Thr906Pro]TTEEGNQPGN